The following is an entry in ClinVar:

ClinVar aggregate classification (germline): Likely pathogenic (1 of 4 stars; one submission).

Conditions:
Vertebral, cardiac, renal, and limb defects syndrome 1. Also called: CONGENITAL NAD DEFICIENCY DISORDER 1; 3-HYDROXYANTHRANILIC ACIDEMIA. Identifiers: MedGen C4540004, MONDO:0060554, OMIM 617660.

Submission:

Juno Genomics, Hangzhou Juno Genomics, Inc
Classification: Likely pathogenic for Vertebral, cardiac, renal, and limb defects syndrome 1. Review status: criteria provided, single submitter. Criteria: ACMG Guidelines, 2015. Collection method: clinical testing. Allele origin: germline.
Comment: Null variant in a gene where loss of function (LOF) is a known mechanism of disease.;Absent from controls (or at extremely low frequency if recessive) in Genome Aggregation Database.

NM_012205.3(HAAO):c.20_21del (p.Val7fs)

Genes: HAAO (3-hydroxyanthranilate 3,4-dioxygenase; minus strand), LOC129933588 (ATAC-STARR-seq lymphoblastoid silent region 11411; plus strand). Cytogenetic location: 2p21.
Variant type: Deletion.
Coding change: c.20_21del on transcript NM_012205.3 (MANE Select); coding-DNA positions 20 to 21, 2 bases deleted (TG; older notation c.20_21delTG).
Protein change: p.Val7fs; shifts the reading frame from valine 7.
Molecular consequence: frameshift variant.
Genome position (GRCh38, 1-based): chr2:42,792,516-42,792,517, CA deleted on the plus strand (TG on the coding strand, the reverse complement: HAAO is on the minus strand); deleting any 2 consecutive bases within chr2:42,792,516-42,792,518 gives the same sequence; the c. name uses the placement nearest the transcript's 3' end. VCF-style (leftmost placement, unchanged base first): chr2-42792515-TCA-T. GRCh37 (hg19) VCF-style: chr2-43019655-TCA-T.
Other names: short protein forms V7fs.
Identifiers: ClinVar variation 5006290 (VCV005006290.2).